The following is an entry in ClinVar:

ClinVar aggregate classification (germline): Likely pathogenic (1 of 4 stars; one submission).

Conditions:
Kabuki syndrome. Also called: Kabuki make-up syndrome; NIIKAWA-KUROKI SYNDROME. Identifiers: Orphanet 2322, MedGen C0796004, MONDO:0016512.

Submission:

Labcorp Genetics (formerly Invitae), Labcorp
Classification: Likely pathogenic for Kabuki syndrome. Last evaluated: 2023-05-09. Review status: criteria provided, single submitter. Criteria: Invitae Variant Classification Sherloc (09022015). Collection method: clinical testing. Allele origin: germline.
Comment: This variant is not present in population databases (gnomAD no frequency). This sequence change affects an acceptor splice site in intron 10 of the KMT2D gene. It is expected to disrupt RNA splicing. Variants that disrupt the donor or acceptor splice site typically lead to a loss of protein function (PMID: 16199547), and loss-of-function variants in KMT2D are known to be pathogenic (PMID: 22126750). This variant has not been reported in the literature in individuals affected with KMT2D-related conditions. In summary, the currently available evidence indicates that the variant is pathogenic, but additional data are needed to prove that conclusively. Therefore, this variant has been classified as Likely Pathogenic. Algorithms developed to predict the effect of sequence changes on RNA splicing suggest that this variant may disrupt the consensus splice site.

Literature cited by the submitters: PubMed 16199547; PubMed 22126750.

NM_003482.4(KMT2D):c.2798-1G>A

Gene: KMT2D (lysine methyltransferase 2D; minus strand). Cytogenetic location: 12q13.12.
Variant type: single nucleotide variant.
Coding change: c.2798-1G>A on transcript NM_003482.4 (MANE Select); the canonical splice acceptor site of the intron before coding-DNA position 2798, G replaced by A.
Molecular consequence: splice acceptor variant.
Genome position (GRCh38, 1-based): chr12:49,050,791, C>T on the plus strand (G>A on the coding strand, the complement: KMT2D is on the minus strand). VCF-style: chr12-49050791-C-T. GRCh37 (hg19) VCF-style: chr12-49444574-C-T.
Identifiers: ClinVar variation 2862933 (VCV002862933.3), dbSNP rs2120657018, ClinGen allele CA384661384.